The following is an entry in ClinVar:

NC_000005.9:g.(?_6600039)_(6845036_?)del

Genes: NSUN2 (NOP2/Sun RNA methyltransferase 2; minus strand), SRD5A1 (steroid 5 alpha-reductase 1; plus strand), TENT4A (terminal nucleotidyltransferase 4A; plus strand). Cytogenetic location: 5p15.31.
Variant type: Deletion.
Identifiers: ClinVar variation 2426349 (VCV002426349.3).

ClinVar aggregate classification (germline): Pathogenic (1 of 4 stars; one submission).

Submission:

Labcorp Genetics (formerly Invitae), Labcorp
Classification: Pathogenic. Last evaluated: 2022-08-29. Review status: criteria provided, single submitter. Criteria: Invitae Variant Classification Sherloc (09022015). Collection method: clinical testing. Allele origin: germline.
Comment: A gross deletion of the genomic region encompassing the full coding sequence of the NSUN2 gene has been identified. Loss-of-function variants in NSUN2 are known to be pathogenic (PMID: 22541559, 22577224). The boundaries of this event are unknown as they extend beyond the assayed region for this gene and therefore may encompass additional genes. This variant has not been reported in the literature in individuals affected with NSUN2-related conditions. For these reasons, this variant has been classified as Pathogenic.

Literature cited by the submitters: PubMed 22541559; PubMed 22577224.